The following is an entry in ClinVar:

ClinVar aggregate classification (germline): Uncertain significance (1 of 4 stars; one submission).

Conditions:
Fanconi anemia (FA). Also called: Fanconi's anemia. Identifiers: Orphanet 84, MedGen C0015625, MeSH D005199, MONDO:0019391.

Submission:

Labcorp Genetics (formerly Invitae), Labcorp
Classification: Uncertain significance for Fanconi anemia. Last evaluated: 2024-06-02. Review status: criteria provided, single submitter. Criteria: Invitae Variant Classification Sherloc (09022015). Collection method: clinical testing. Allele origin: germline.
Comment: This sequence change replaces arginine, which is basic and polar, with leucine, which is neutral and non-polar, at codon 1570 of the FANCM protein (p.Arg1570Leu). This variant is not present in population databases (gnomAD no frequency). This variant has not been reported in the literature in individuals affected with FANCM-related conditions. ClinVar contains an entry for this variant (Variation ID: 2421924). An algorithm developed to predict the effect of missense changes on protein structure and function (PolyPhen-2) suggests that this variant is likely to be disruptive. In summary, the available evidence is currently insufficient to determine the role of this variant in disease. Therefore, it has been classified as a Variant of Uncertain Significance.

NM_020937.4(FANCM):c.4709G>T (p.Arg1570Leu)

Gene: FANCM (FA complementation group M; plus strand). Cytogenetic location: 14q21.2.
Variant type: single nucleotide variant.
Coding change: c.4709G>T on transcript NM_020937.4 (MANE Select); coding-DNA position 4709, G replaced by T.
Protein change: p.Arg1570Leu; replaces arginine 1570 with leucine.
Molecular consequence: missense variant.
Genome position (GRCh38, 1-based): chr14:45,187,817, G>T. VCF-style: chr14-45187817-G-T. GRCh37 (hg19) VCF-style: chr14-45657020-G-T.
Other names: c.4631G>T, p.Arg1544Leu (NM_001308133.2); short protein forms R1544L, R1570L.
Identifiers: ClinVar variation 2421924 (VCV002421924.6), dbSNP rs201803784, ClinGen allele CA389609865.
Genomic context (GRCh38, chr14:45,187,817, plus strand): 5'-ATCTAAATTCTTATCTTTACACAGATTCTGAAATGAGAGCTATTTACATGAAATCTTTGC[G>T]TAGTCCAATGATGAACAATAAGTACAAAATGATTCATAAGACACATAAAAACATAAACAT-3'
Protein context (NP_065988.1, residues 1560-1580): EMRAIYMKSL[Arg1570Leu]SPMMNNKYKM